The following is an entry in ClinVar:

NM_152631.3(FAM47B):c.923G>A (p.Arg308His)

Gene: FAM47B (family with sequence similarity 47 member B; plus strand). Cytogenetic location: Xp21.1.
Variant type: single nucleotide variant.
Coding change: c.923G>A on transcript NM_152631.3 (MANE Select); coding-DNA position 923, G replaced by A.
Protein change: p.Arg308His; replaces arginine 308 with histidine.
Molecular consequence: missense variant.
Genome position (GRCh38, 1-based): chrX:34,943,754, G>A. VCF-style: chrX-34943754-G-A. GRCh37 (hg19) VCF-style: chrX-34961871-G-A.
Other names: short protein forms R308H.
Identifiers: ClinVar variation 3041116 (VCV003041116.2), dbSNP rs111279132, ClinGen allele CA10381023.

ClinVar aggregate classification (germline): Benign (0 of 4 stars; one submission).

Conditions:
FAM47B-related disorder. Also called: FAM47B-related condition.

Allele frequency attached by ClinVar (database versions not stated): TOPMed 0.00631; 1000 Genomes Project 30x 0.00666; 1000 Genomes Project 0.00689; ESP Exome Variant Server 0.00758.
gnomAD v4.1: 1,232 of 1,205,081 alleles (0.1%); highest among the groups gnomAD compares: African/African-American, 2%; 7 homozygotes.

Submission:

PreventionGenetics, part of Exact Sciences
Classification: Benign for FAM47B-related condition. Last evaluated: 2019-10-01. Review status: no assertion criteria provided. Collection method: clinical testing. Allele origin: germline.
Comment: This variant is classified as benign based on ACMG/AMP sequence variant interpretation guidelines (Richards et al. 2015 PMID: 25741868, with internal and published modifications).